The following is an entry in ClinVar:

NM_001378183.1(PIEZO2):c.3697A>G (p.Ile1233Val)

Gene: PIEZO2 (piezo type mechanosensitive ion channel component 2; minus strand). Cytogenetic location: 18p11.22.
Variant type: single nucleotide variant.
Coding change: c.3697A>G on transcript NM_001378183.1 (MANE Select); coding-DNA position 3697, A replaced by G.
Protein change: p.Ile1233Val; replaces isoleucine 1233 with valine.
Molecular consequence: missense variant.
Genome position (GRCh38, 1-based): chr18:10,759,542, T>C on the plus strand (A>G on the coding strand, the complement: PIEZO2 is on the minus strand). VCF-style: chr18-10759542-T-C. GRCh37 (hg19) VCF-style: chr18-10759540-T-C.
Other names: c.3697A>G, p.Ile1233Val (NM_001410871.1); c.3622A>G, p.Ile1208Val (NM_022068.4); short protein forms I1233V, I1208V.
Identifiers: ClinVar variation 4525759 (VCV004525759.1).

ClinVar aggregate classification (germline): Uncertain significance (1 of 4 stars; one submission).

gnomAD v4.1: 5 of 1,537,214 alleles (0.00033%); highest among the groups gnomAD compares: African/African-American, 0.0041%; no homozygotes.

Submission:

Women's Health and Genetics/Laboratory Corporation of America, LabCorp
Classification: Uncertain significance. Last evaluated: 2025-07-21. Review status: criteria provided, single submitter. Criteria: LabCorp Variant Classification Summary - May 2015. Collection method: clinical testing. Allele origin: germline.
Comment: Variant summary: PIEZO2 c.3622A>G (p.Ile1208Val) results in a conservative amino acid change in the encoded protein sequence. Algorithms developed to predict the effect of missense changes on protein structure and function are either unavailable or do not agree on the potential impact of this missense change. The variant allele was found at a frequency of 6.9e-06 in 145050 control chromosomes (gnomAD). The available data on variant occurrences in the general population are insufficient to allow any conclusion about variant significance. To our knowledge, no occurrence of c.3622A>G in individuals affected with Arthrogryposis, distal, with impaired proprioception and touch and no experimental evidence demonstrating its impact on protein function have been reported. No submitters have cited clinical-significance assessments for this variant to ClinVar. Based on the evidence outlined above, the variant was classified as uncertain significance.